The following is an entry in ClinVar:

ClinVar aggregate classification (germline): Benign/Likely benign. Review status: criteria provided, multiple submitters, no conflicts (2 of 4 stars). 4 submissions from 4 submitters: Benign (1); Likely benign (3). Last evaluated 2024-07-24.

Conditions:
Familial cancer of breast. Also called: BREAST CANCER, FAMILIAL; hereditary breast carcinoma; Hereditary breast cancer. Identifiers: Orphanet 227535, MedGen C0346153, MONDO:0016419, OMIM 114480. Disease mechanism: loss of function.
Hereditary cancer-predisposing syndrome. Also called: Neoplastic Syndromes, Hereditary; Tumor predisposition; Hereditary Cancer Syndrome; Hereditary neoplastic syndrome. Identifiers: Orphanet 140162, MedGen C0027672, MeSH D009386, MONDO:0015356.

gnomAD v4.1: 1 of 1,614,056 alleles (0.000062%); no homozygotes.

Submissions (4):

Myriad Genetics, Inc.
Classification: Benign for Familial cancer of breast. Last evaluated: 2024-07-24. Review status: criteria provided, single submitter. Criteria: Myriad Autosomal Dominant, Autosomal Recessive and X-Linked Classification Criteria (2023). Collection method: clinical testing. Allele origin: unknown.
Comment: This variant is considered benign. This variant is a silent/synonymous amino acid change and it is not expected to impact splicing.

Labcorp Genetics (formerly Invitae), Labcorp
Classification: Likely benign for Familial cancer of breast. Last evaluated: 2021-10-25. Review status: criteria provided, single submitter. Criteria: Invitae Variant Classification Sherloc (09022015). Collection method: clinical testing. Allele origin: germline.

Color Diagnostics, LLC DBA Color Health
Classification: Likely benign for Hereditary cancer-predisposing syndrome. Last evaluated: 2017-12-21. Review status: criteria provided, single submitter. Criteria: ACMG Guidelines, 2015. Collection method: clinical testing. Allele origin: germline.

Ambry Genetics
Classification: Likely benign for Hereditary cancer-predisposing syndrome. Last evaluated: 2015-07-28. Review status: criteria provided, single submitter. Criteria: Ambry Variant Classification Scheme 2023. Collection method: clinical testing. Allele origin: germline.

NM_000465.4(BARD1):c.1161C>T (p.Phe387=)

Gene: BARD1 (BRCA1 associated RING domain 1; minus strand). Cytogenetic location: 2q35.
Variant type: single nucleotide variant.
Coding change: c.1161C>T on transcript NM_000465.4 (MANE Select); coding-DNA position 1161, C replaced by T.
Protein change: p.Phe387=; no amino-acid change (phenylalanine 387 retained).
Molecular consequence: synonymous variant. On other transcripts: non-coding transcript variant (2), intron variant (3).
Genome position (GRCh38, 1-based): chr2:214,780,713, G>A on the plus strand (C>T on the coding strand, the complement: BARD1 is on the minus strand). VCF-style: chr2-214780713-G-A. GRCh37 (hg19) VCF-style: chr2-215645437-G-A.
Other names: c.1104C>T, p.Phe368= (NM_001282543.2); c.159-28158C>T (NM_001282548.2); c.215+16348C>T (NM_001282545.2); c.364+11584C>T (NM_001282549.2).
Identifiers: ClinVar variation 233177 (VCV000233177.18), dbSNP rs553790960, ClinGen allele CA10577821.